The following is an entry in ClinVar:

ClinVar aggregate classification (germline): Uncertain significance (1 of 4 stars; one submission).

Conditions:
ITGA2B-related disorder. Also called: ITGA2B-related condition; ITGA2B-related disorders.

Submission:

PreventionGenetics, part of Exact Sciences
Classification: Uncertain significance for ITGA2B-related condition. Last evaluated: 2023-08-30. Review status: criteria provided, single submitter. Criteria: ACMG Guidelines, 2015. Collection method: clinical testing. Allele origin: germline.
Comment: The ITGA2B c.68C>G variant is predicted to result in the amino acid substitution p.Pro23Arg. To our knowledge, this variant has not been reported in the literature. This variant is reported in 0.00088% of alleles in individuals of European (Non-Finnish) descent in gnomAD. At this time, the clinical significance of this variant is uncertain due to the absence of conclusive functional and genetic evidence.

NM_000419.5(ITGA2B):c.68C>G (p.Pro23Arg)

Gene: ITGA2B (integrin subunit alpha 2b; minus strand). Cytogenetic location: 17q21.31.
Variant type: single nucleotide variant.
Coding change: c.68C>G on transcript NM_000419.5 (MANE Select); coding-DNA position 68, C replaced by G.
Protein change: p.Pro23Arg; replaces proline 23 with arginine.
Molecular consequence: missense variant.
Genome position (GRCh38, 1-based): chr17:44,389,406, G>C on the plus strand (C>G on the coding strand, the complement: ITGA2B is on the minus strand). VCF-style: chr17-44389406-G-C. GRCh37 (hg19) VCF-style: chr17-42466774-G-C.
Other names: short protein forms P23R.
Identifiers: ClinVar variation 2631001 (VCV002631001.1), dbSNP rs201184269, ClinGen allele CA399807007.
Genomic context (GRCh38, chr17:44,389,406, plus strand): 5'-GCATAGAAGGTGAGCTGCACTGGGTCCAGGTTCAAGGCCCAGGCTGGAGGGGCAGCACAA[G>C]GTCCCAAGAGCAGCAGCACCCACTCCAGAAGCCAGAGGGCTTGCAGTGGACACAAAGCTC-3'
Protein context (NP_000410.2, residues 13-33): LLEWVLLLLG[Pro23Arg]CAAPPAWALN